The following is an entry in ClinVar:

NM_203446.3(SYNJ1):c.2314G>A (p.Gly772Arg)

Gene: SYNJ1 (synaptojanin 1; minus strand). Cytogenetic location: 21q22.11.
Variant type: single nucleotide variant.
Coding change: c.2314G>A on transcript NM_203446.3 (MANE Select); coding-DNA position 2314, G replaced by A.
Protein change: p.Gly772Arg; replaces glycine 772 with arginine.
Molecular consequence: missense variant.
Genome position (GRCh38, 1-based): chr21:32,657,863, C>T on the plus strand (G>A on the coding strand, the complement: SYNJ1 is on the minus strand). VCF-style: chr21-32657863-C-T. GRCh37 (hg19) VCF-style: chr21-34030173-C-T.
Other names: c.2314G>A, p.Gly772Arg (NM_001160302.2); c.2299G>A, p.Gly767Arg (NM_001160306.2); c.2431G>A, p.Gly811Arg (NM_003895.4); short protein forms G767R, G772R, G811R.
Identifiers: ClinVar variation 1717231 (VCV001717231.5), dbSNP rs915423449, ClinGen allele CA319426099.

ClinVar aggregate classification (germline): Uncertain significance (1 of 4 stars; one submission).

Conditions:
Early-onset Parkinson disease 20. Also called: PARKINSON DISEASE 20, AUTOSOMAL RECESSIVE EARLY-ONSET. Identifiers: Orphanet 391411, MedGen C3809824, MONDO:0014233, OMIM 615530.
Developmental and epileptic encephalopathy, 53. Also called: Epileptic encephalopathy, early infantile, 53. Identifiers: MedGen C4479313, MONDO:0033362, OMIM 617389.

Allele frequency attached by ClinVar (database versions not stated): gnomAD exomes below 0.00001.
gnomAD v4.1: 3 of 1,608,116 alleles (0.00019%); highest among the groups gnomAD compares: African/African-American, 0.004%; no homozygotes.

Submission:

Labcorp Genetics (formerly Invitae), Labcorp
Classification: Uncertain significance for Developmental and epileptic encephalopathy, 53; Early-onset Parkinson disease 20. Last evaluated: 2024-03-11. Review status: criteria provided, single submitter. Criteria: Invitae Variant Classification Sherloc (09022015). Collection method: clinical testing. Allele origin: germline.
Comment: This sequence change replaces glycine, which is neutral and non-polar, with arginine, which is basic and polar, at codon 811 of the SYNJ1 protein (p.Gly811Arg). This variant is not present in population databases (gnomAD no frequency). This variant has not been reported in the literature in individuals affected with SYNJ1-related conditions. ClinVar contains an entry for this variant (Variation ID: 1717231). Advanced modeling of protein sequence and biophysical properties (such as structural, functional, and spatial information, amino acid conservation, physicochemical variation, residue mobility, and thermodynamic stability) performed at Invitae indicates that this missense variant is expected to disrupt SYNJ1 protein function with a positive predictive value of 80%. In summary, the available evidence is currently insufficient to determine the role of this variant in disease. Therefore, it has been classified as a Variant of Uncertain Significance.